The following is an entry in ClinVar:

NM_001387430.1(SH2B1):c.525C>T (p.Thr175=)

Gene: SH2B1 (SH2B adaptor protein 1; plus strand). Cytogenetic location: 16p11.2.
Variant type: single nucleotide variant.
Coding change: c.525C>T on transcript NM_001387430.1 (MANE Select); coding-DNA position 525, C replaced by T.
Protein change: p.Thr175=; no amino-acid change (threonine 175 retained).
Molecular consequence: synonymous variant. On other transcripts: intron variant (1).
Genome position (GRCh38, 1-based): chr16:28,866,619, C>T. VCF-style: chr16-28866619-C-T. GRCh37 (hg19) VCF-style: chr16-28877940-C-T.
Other names: c.525C>T, p.Thr175= (NM_001145795.2, NM_001145796.2, NM_001145797.2 and 4 more transcripts); c.-26-755C>T (NM_001308294.2).
Identifiers: ClinVar variation 3352462 (VCV003352462.1).

ClinVar aggregate classification (germline): Likely benign (0 of 4 stars; one submission).

Conditions:
SH2B1-related disorder. Also called: SH2B1-related condition.

gnomAD v4.1: 47 of 1,613,700 alleles (0.0029%); highest among the groups gnomAD compares: East Asian, 0.0045%; no homozygotes.

Submission:

PreventionGenetics, part of Exact Sciences
Classification: Likely benign for SH2B1-related condition. Last evaluated: 2022-01-24. Review status: no assertion criteria provided. Collection method: clinical testing. Allele origin: germline.
Comment: This variant is classified as likely benign based on ACMG/AMP sequence variant interpretation guidelines (Richards et al. 2015 PMID: 25741868, with internal and published modifications).